The following is an entry in ClinVar:

NM_015874.6(RBPJ):c.140A>G (p.Tyr47Cys)

Genes: RBPJ (recombination signal binding protein for immunoglobulin kappa J region; plus strand), LOC126807011 (MED14-independent group 3 enhancer GRCh37_chr4:26407341-26408540; plus strand). Cytogenetic location: 4p15.2.
Variant type: single nucleotide variant.
Coding change: c.140A>G on transcript NM_015874.6 (MANE Select); coding-DNA position 140, A replaced by G.
Protein change: p.Tyr47Cys; replaces tyrosine 47 with cysteine.
Molecular consequence: missense variant.
Genome position (GRCh38, 1-based): chr4:26,406,255, A>G. VCF-style: chr4-26406255-A-G. GRCh37 (hg19) VCF-style: chr4-26407877-A-G.
Other names: c.74A>G, p.Tyr25Cys (NM_001363577.2, NM_203283.5); c.179A>G, p.Tyr60Cys (NM_001374400.1, NM_001379408.1, NM_005349.4); c.137A>G, p.Tyr46Cys (NM_001374401.1, NM_001374402.1, NM_001374403.1 and 3 more transcripts); c.134A>G, p.Tyr45Cys (NM_001379409.1); short protein forms Y25C, Y45C, Y46C, Y47C, Y60C.
Identifiers: ClinVar variation 1805553 (VCV001805553.2), dbSNP rs2475203966, ClinGen allele CA356669370.

ClinVar aggregate classification (germline): Uncertain significance. Review status: criteria provided, single submitter (1 of 4 stars). 2 submissions from 2 submitters: Uncertain significance (1). 1 of the submissions does not count toward it. Last evaluated 2020-05-21.

Conditions:
Adams-Oliver syndrome 3 (AOS3). Identifiers: Orphanet 974, MedGen C3553748, MONDO:0013895, OMIM 614814.
RBPJ-related disorder. Also called: RBPJ-related condition.

Submissions (2):

Victorian Clinical Genetics Services, Murdoch Childrens Research Institute
Classification: Uncertain significance for Adams-Oliver syndrome 3. Last evaluated: 2020-05-21. Review status: criteria provided, single submitter. Criteria: ACMG Guidelines, 2015. Collection method: clinical testing. Allele origin: germline. Inheritance: Autosomal dominant inheritance. Affected: yes.
Comment: A heterozygous missense variant was identified, NM_005349.3(RBPJ):c.179A>G in exon 4 of 12 of the RBPJ gene. This substitution is predicted to create a major amino acid change from a tyrosine to a cysteine at position 60 of the protein; NP_005340.2(RBPJ):p.(Tyr60Cys). The tyrosine at this position has very high conservation (100 vertebrates, UCSC), and is located in a missense constraint region within the LAG1, DNA binding domain. In silico software predicts this variant to be damaging (Polyphen, SIFT, CADD, Mutation Taster). The variant is not present in the gnomAD population database. This variant has not previously been reported in clinical cases. Based on information available at the time of curation, this variant has been classified as a VUS with POTENTIAL CLINICAL RELEVANCE.

PreventionGenetics, part of Exact Sciences
Classification: Likely pathogenic for RBPJ-related condition. Last evaluated: 2024-09-04. Review status: no assertion criteria provided. Collection method: clinical testing. Allele origin: germline. Not counted in ClinVar's aggregate classification.
Comment: The RBPJ c.179A>G variant is predicted to result in the amino acid substitution p.Tyr60Cys. To our knowledge, this variant has not been reported in the literature or in a large population database, indicating this variant is rare. This variant is interpreted as likely pathogenic.